The following is an entry in ClinVar:

NM_003764.4(STX11):c.*3749T>C

Gene: STX11 (syntaxin 11; plus strand). Cytogenetic location: 6q24.2.
Variant type: single nucleotide variant.
Coding change: c.*3749T>C on transcript NM_003764.4 (MANE Select); 3749 bases downstream of the stop codon, T replaced by C.
Molecular consequence: 3 prime UTR variant.
Genome position (GRCh38, 1-based): chr6:144,191,240, T>C. VCF-style: chr6-144191240-T-C. GRCh37 (hg19) VCF-style: chr6-144512377-T-C.
Other names: c.*3749T>C (LRG_113t1).
Identifiers: ClinVar variation 355655 (VCV000355655.5), dbSNP rs17073506, ClinGen allele CA10626001.
Genomic context (GRCh38, chr6:144,191,240, plus strand): 5'-CAAATTTTACAACTACCACCAAGCCACAGATTATAGGTGGTAACAACTCCAGAAATGTCC[T>C]AACTAGGAAAGGTGCTCATCTAGTATGCATCGGTATCCAGGATAATATGAGTTAGAATTT-3'

ClinVar aggregate classification (germline): Benign (1 of 4 stars; one submission).

Conditions:
Familial hemophagocytic lymphohistiocytosis 4 (FHL4). Also called: STX11-Related Familial Hemophagocytic Lymphohistiocytosis (STX11-fHLH). Identifiers: Orphanet 540, MedGen C1863728, MONDO:0011336, OMIM 603552.

Allele frequency attached by ClinVar (database versions not stated): gnomAD 0.00384 and 0.00518; TOPMed 0.00744; 1000 Genomes Project 30x 0.02014; 1000 Genomes Project 0.02276.

Submission:

Illumina Laboratory Services, Illumina
Classification: Benign for Familial hemophagocytic lymphohistiocytosis 4. Last evaluated: 2018-01-13. Review status: criteria provided, single submitter. Criteria: ICSL Variant Classification Criteria 13 December 2019. Collection method: clinical testing. Allele origin: germline.
Comment: This variant was observed in the ICSL laboratory as part of a predisposition screen in an ostensibly healthy population. It had not been previously curated by ICSL or reported in the Human Gene Mutation Database (HGMD: prior to June 1st, 2018), and was therefore a candidate for classification through an automated scoring system. Utilizing variant allele frequency, disease prevalence and penetrance estimates, and inheritance mode, an automated score was calculated to assess if this variant is too frequent to cause the disease. Based on the score and internal cut-off values, a variant classified as benign is not then subjected to further curation. The score for this variant resulted in a classification of benign for this disease.